The following is an entry in ClinVar:

ClinVar aggregate classification (germline): Uncertain significance. Review status: criteria provided, multiple submitters, no conflicts (2 of 4 stars). 2 submissions from 2 submitters: Uncertain significance (2). Last evaluated 2025-02-02.

Conditions:
Hereditary cancer-predisposing syndrome. Also called: Hereditary neoplastic syndrome; Neoplastic Syndromes, Hereditary; Tumor predisposition; Hereditary Cancer Syndrome. Identifiers: Orphanet 140162, MedGen C0027672, MeSH D009386, MONDO:0015356.
Ataxia-telangiectasia syndrome (AT). Also called: Ataxia telangiectasia (A-T); LOUIS-BAR SYNDROME; Cerebello-oculocutaneous telangiectasia; Immunodeficiency with ataxia telangiectasia; Ataxia-telangiectasia, complementation group D; AT, COMPLEMENTATION GROUP C. Identifiers: Orphanet 100, MedGen C0004135, MONDO:0008840, OMIM 208900.

Allele frequency attached by ClinVar (database versions not stated): gnomAD exomes below 0.00001.
gnomAD v4.1: 2 of 1,613,942 alleles (0.00012%); highest among the groups gnomAD compares: Non-Finnish European, 0.00017%; no homozygotes.

Submissions (2):

Labcorp Genetics (formerly Invitae), Labcorp
Classification: Uncertain significance for Ataxia-telangiectasia syndrome. Last evaluated: 2025-02-02. Review status: criteria provided, single submitter. Criteria: Invitae Variant Classification Sherloc (09022015). Collection method: clinical testing. Allele origin: germline.
Comment: This sequence change replaces proline, which is neutral and non-polar, with arginine, which is basic and polar, at codon 2353 of the ATM protein (p.Pro2353Arg). This variant is not present in population databases (gnomAD no frequency). This variant has not been reported in the literature in individuals affected with ATM-related conditions. ClinVar contains an entry for this variant (Variation ID: 1756906). Invitae Evidence Modeling of protein sequence and biophysical properties (such as structural, functional, and spatial information, amino acid conservation, physicochemical variation, residue mobility, and thermodynamic stability) indicates that this missense variant is expected to disrupt ATM protein function with a positive predictive value of 80%. In summary, the available evidence is currently insufficient to determine the role of this variant in disease. Therefore, it has been classified as a Variant of Uncertain Significance.

Ambry Genetics
Classification: Uncertain significance for Hereditary cancer-predisposing syndrome. Last evaluated: 2021-08-15. Review status: criteria provided, single submitter. Criteria: Ambry Variant Classification Scheme 2023. Collection method: clinical testing. Allele origin: germline.
Comment: The p.P2353R variant (also known as c.7058C>G), located in coding exon 47 of the ATM gene, results from a C to G substitution at nucleotide position 7058. The proline at codon 2353 is replaced by arginine, an amino acid with dissimilar properties. This amino acid position is conserved. In addition, this alteration is predicted to be deleterious by in silico analysis. Since supporting evidence is limited at this time, the clinical significance of this alteration remains unclear.

NM_000051.4(ATM):c.7058C>G (p.Pro2353Arg)

Genes: ATM (ATM serine/threonine kinase; plus strand), C11orf65 (chromosome 11 open reading frame 65; minus strand). Cytogenetic location: 11q22.3.
Variant type: single nucleotide variant.
Coding change: c.7058C>G on transcript NM_000051.4 (MANE Select); coding-DNA position 7058, C replaced by G.
Protein change: p.Pro2353Arg; replaces proline 2353 with arginine.
Molecular consequence: missense variant. On other transcripts: intron variant (2).
Genome position (GRCh38, 1-based): chr11:108,327,727, C>G. VCF-style: chr11-108327727-C-G. GRCh37 (hg19) VCF-style: chr11-108198454-C-G.
Other names: c.7058C>G, p.Pro2353Arg (NM_001351834.2); c.641-18656G>C (NM_001330368.2); c.*38+7493G>C (NM_001351110.2); short protein forms P2353R.
Identifiers: ClinVar variation 1756906 (VCV001756906.5), dbSNP rs2136377844, ClinGen allele CA382559013.